The following is an entry in ClinVar:

NM_000419.5(ITGA2B):c.527C>A (p.Pro176His)

Gene: ITGA2B (integrin subunit alpha 2b; minus strand). Cytogenetic location: 17q21.31.
Variant type: single nucleotide variant.
Coding change: c.527C>A on transcript NM_000419.5 (MANE Select); coding-DNA position 527, C replaced by A.
Protein change: p.Pro176His; replaces proline 176 with histidine.
Molecular consequence: missense variant.
Genome position (GRCh38, 1-based): chr17:44,385,598, G>T on the plus strand (C>A on the coding strand, the complement: ITGA2B is on the minus strand). VCF-style: chr17-44385598-G-T. GRCh37 (hg19) VCF-style: chr17-42462966-G-T.
Other names: short protein forms P176H.
Identifiers: ClinVar variation 953014 (VCV000953014.2), dbSNP rs148327798, ClinGen allele CA8603447.
Genomic context (GRCh38, chr17:44,385,598, plus strand): 5'-AGCTGGCGCTTACTAAAATCATTTTCCACGTAAATGCGGCTCAGGGTGTTCCCGCGACAG[G>T]GGGAGTACTCGGCGCGGCGGCCGCTCTCTGGCTGAGCCAAAAAGCAGCTACCTACGGGCG-3'
Protein context (NP_000410.2, residues 166-186): PESGRRAEYS[Pro176His]CRGNTLSRIY

ClinVar aggregate classification (germline): Likely pathogenic (3 of 4 stars; one submission).

Conditions:
Glanzmann thrombasthenia. Also called: BLEEDING DISORDER, PLATELET-TYPE, 2; THROMBASTHENIA OF GLANZMANN AND NAEGELI; PLATELET GLYCOPROTEIN IIb-IIIa DEFICIENCY; Glanzmann's thrombasthenia; Thrombasthenia. Identifiers: Orphanet 849, MedGen C0040015, MONDO:0100326.

Allele frequency attached by ClinVar (database versions not stated): ExAC 0.00001; gnomAD 0.00001; TOPMed 0.00002; ESP Exome Variant Server 0.00008.

Submission:

ClinGen Platelet Disorders Variant Curation Expert Panel, ClinGen
Classification: Likely pathogenic for Glanzmann thrombasthenia. Last evaluated: 2021-03-05. Review status: reviewed by expert panel. Criteria: ClinGen Platelet ACMG Specifications v2. Collection method: curation. Allele origin: germline. Inheritance: Autosomal recessive inheritance.
Comment: The NM_000419.4:c.527C>A (p.Pro176His) missense variant was identified from an individual in The National Heart, Lung and Blood Institute Exome Sequencing Project (ESP) whose full genotype and phenotype were not reported. It occurs at an extremely low frequency of 0.000008248 in the African population of gnomAD. It is predicted to have a deleterious effect (REVEL score of 0.913) which was confirmed by functional studies showing virtually no mature GPIIb protein in transfected HEK293 cells (PMID: 25827233). This variant occurs at the same residue as the pathogenic variant Pro176Ala. In summary, this variant meets criteria to be classified as Likely Pathogenic for GT. GT specific criteria used: PS3_moderate, PM2_Supporting, PM5, PP3.

Literature cited by the submitters: PubMed 25827233.